The following is an entry in ClinVar:

NM_017999.5(RNF31):c.1737+3A>G

Gene: RNF31 (ring finger protein 31; plus strand). Cytogenetic location: 14q12.
Variant type: single nucleotide variant.
Coding change: c.1737+3A>G on transcript NM_017999.5 (MANE Select); 3 bases into the intron after coding-DNA position 1737, A replaced by G.
Molecular consequence: intron variant.
Genome position (GRCh38, 1-based): chr14:24,151,382, A>G. VCF-style: chr14-24151382-A-G. GRCh37 (hg19) VCF-style: chr14-24620591-A-G.
Other names: IVS9DS, A-G, +3; c.1284+3A>G (NM_001310332.2).
Identifiers: ClinVar variation 1392744 (VCV001392744.8), dbSNP rs2139081076, ClinGen allele CA2573149895.
Genomic context (GRCh38, chr14:24,151,382, plus strand): 5'-TCGTCATGGCAACCTTGATGAAGCTGTGGAGGAGTGTGTGAGGACCAGGCGAAGGAAGGT[A>G]TCAGCTGTGCTGGATATGGGATAGGGTCGAGAGTCTGCATCTCTCACACTCTCCCTTGCT-3'

ClinVar aggregate classification (germline): Uncertain significance. Review status: criteria provided, single submitter (1 of 4 stars). 2 submissions from 2 submitters: Uncertain significance (1). 1 of the submissions does not count toward it. Last evaluated 2021-05-18.

Conditions:
Immunodeficiency 115 with autoinflammation (IMD115). Identifiers: MedGen C5882724, MONDO:0957981, OMIM 620632.

Submissions (2):

Labcorp Genetics (formerly Invitae), Labcorp
Classification: Uncertain significance. Last evaluated: 2021-05-18. Review status: criteria provided, single submitter. Criteria: Invitae Variant Classification Sherloc (09022015). Collection method: clinical testing. Allele origin: germline.
Comment: This sequence change falls in intron 9 of the RNF31 gene. It does not directly change the encoded amino acid sequence of the RNF31 protein. RNA analysis indicates that this variant induces altered splicing and likely results in a shortened protein product. In summary, the available evidence is currently insufficient to determine the role of this variant in disease. Therefore, it has been classified as a Variant of Uncertain Significance. Nucleotide substitutions within the consensus splice site are a relatively common cause of aberrant splicing (PMID: 17576681, 9536098). Studies have shown that this variant is associated with skipping of exon 9 but is expected to preserve the integrity of the reading frame (PMID: 30936877). This variant has been observed in individual(s) with common variable immune deficiency (PMID: 30936877). This variant is not present in population databases (ExAC no frequency).

OMIM
Classification: Pathogenic for IMMUNODEFICIENCY 115 WITH AUTOINFLAMMATION. Last evaluated: 2023-11-28. Review status: no assertion criteria provided. Collection method: literature only. Allele origin: germline. Not counted in ClinVar's aggregate classification.

Literature cited by the submitters: PubMed 17576681 (cited by Labcorp Genetics (formerly Invitae), Labcorp); PubMed 9536098 (cited by Labcorp Genetics (formerly Invitae), Labcorp); PubMed 30936877 (cited by Labcorp Genetics (formerly Invitae), Labcorp and OMIM).